The following is an entry in ClinVar:

NM_004612.4(TGFBR1):c.20C>G (p.Ala7Gly)

Genes: TGFBR1 (transforming growth factor beta receptor 1; plus strand), LOC130002223 (ATAC-STARR-seq lymphoblastoid silent region 20124; plus strand). Cytogenetic location: 9q22.33.
Variant type: single nucleotide variant.
Coding change: c.20C>G on transcript NM_004612.4 (MANE Select); coding-DNA position 20, C replaced by G.
Protein change: p.Ala7Gly; replaces alanine 7 with glycine.
Molecular consequence: missense variant.
Genome position (GRCh38, 1-based): chr9:99,105,225, C>G. VCF-style: chr9-99105225-C-G. GRCh37 (hg19) VCF-style: chr9-101867507-C-G.
Other names: c.20C>G, p.Ala7Gly (NM_001130916.3, NM_001306210.2); short protein forms A7G.
Identifiers: ClinVar variation 961643 (VCV000961643.11), dbSNP rs863223802, ClinGen allele CA374223504.

ClinVar aggregate classification (germline): Conflicting classifications of pathogenicity. Review status: criteria provided, conflicting classifications (1 of 4 stars). 2 submissions from 2 submitters: Uncertain significance (1); Benign (1). Last evaluated 2024-05-13.

Conditions:
Familial thoracic aortic aneurysm and aortic dissection (TAAD). Also called: Thoracic aortic aneurysms and dissections. Identifiers: Orphanet 91387, MedGen C4707243, MONDO:0019625.

Allele frequency attached by ClinVar (database versions not stated): TOPMed 0.00001.
gnomAD v4.1: 3 of 1,076,616 alleles (0.00028%); highest among the groups gnomAD compares: East Asian, 0.017%; no homozygotes.

Submissions (2):

Ambry Genetics
Classification: Uncertain significance for Familial thoracic aortic aneurysm and aortic dissection. Last evaluated: 2024-05-13. Review status: criteria provided, single submitter. Criteria: Ambry Variant Classification Scheme 2023. Collection method: clinical testing. Allele origin: germline.
Comment: The p.A7G variant (also known as c.20C>G), located in coding exon 1 of the TGFBR1 gene, results from a C to G substitution at nucleotide position 20. The alanine at codon 7 is replaced by glycine, an amino acid with similar properties. This amino acid position is well conserved in available vertebrate species. In addition, this alteration is predicted to be tolerated by in silico analysis. Based on the available evidence, the clinical significance of this variant remains unclear.

Labcorp Genetics (formerly Invitae), Labcorp
Classification: Benign for Familial thoracic aortic aneurysm and aortic dissection. Last evaluated: 2023-03-28. Review status: criteria provided, single submitter. Criteria: Invitae Variant Classification Sherloc (09022015). Collection method: clinical testing. Allele origin: germline.